The following is an entry in ClinVar:

ClinVar aggregate classification (germline): Uncertain significance (1 of 4 stars; one submission).

Conditions:
Combined immunodeficiency due to MALT1 deficiency. Also called: Immunodeficiency 12. Identifiers: Orphanet 397964, MedGen C3809583, MONDO:0014197, OMIM 615468.

Allele frequency attached by ClinVar (database versions not stated): gnomAD exomes below 0.00001; TOPMed below 0.00001; gnomAD 0.00001.

Submission:

Labcorp Genetics (formerly Invitae), Labcorp
Classification: Uncertain significance for Combined immunodeficiency due to MALT1 deficiency. Last evaluated: 2021-02-25. Review status: criteria provided, single submitter. Criteria: Invitae Variant Classification Sherloc (09022015). Collection method: clinical testing. Allele origin: germline.
Comment: This variant has not been reported in the literature in individuals with MALT1-related conditions. Algorithms developed to predict the effect of missense changes on protein structure and function (SIFT, PolyPhen-2, Align-GVGD) all suggest that this variant is likely to be tolerated, but these predictions have not been confirmed by published functional studies and their clinical significance is uncertain. In summary, the available evidence is currently insufficient to determine the role of this variant in disease. Therefore, it has been classified as a Variant of Uncertain Significance. This variant is not present in population databases (ExAC no frequency). This sequence change replaces methionine with valine at codon 113 of the MALT1 protein (p.Met113Val). The methionine residue is moderately conserved and there is a small physicochemical difference between methionine and valine.

NM_006785.4(MALT1):c.337A>G (p.Met113Val)

Gene: MALT1 (MALT1 paracaspase; plus strand). Cytogenetic location: 18q21.32.
Variant type: single nucleotide variant.
Coding change: c.337A>G on transcript NM_006785.4 (MANE Select); coding-DNA position 337, A replaced by G.
Protein change: p.Met113Val; replaces methionine 113 with valine.
Molecular consequence: missense variant.
Genome position (GRCh38, 1-based): chr18:58,681,297, A>G. VCF-style: chr18-58681297-A-G. GRCh37 (hg19) VCF-style: chr18-56348529-A-G.
Other names: c.337A>G, p.Met113Val (NM_173844.3); short protein forms M113V.
Identifiers: ClinVar variation 1350561 (VCV001350561.8), dbSNP rs1050645088, ClinGen allele CA300937378.
Genomic context (GRCh38, chr18:58,681,297, plus strand): 5'-CTGAAGTTAATGGGTGAAAAAGGTTGCACAGTCACAGAATTGAGTGATTTCCTGCAGGCT[A>G]TGGAACACACTGAAGTTCTTCAGCTTCTCAGCCCCCCAGGTAGGTTTTGTTCTTAGGATT-3'
Protein context (NP_006776.1, residues 103-123): VTELSDFLQA[Met113Val]EHTEVLQLLS